The following is an entry in ClinVar:

NM_002979.5(SCP2):c.609A>G (p.Glu203=)

Gene: SCP2 (sterol carrier protein 2; plus strand). Cytogenetic location: 1p32.3.
Variant type: single nucleotide variant.
Coding change: c.609A>G on transcript NM_002979.5 (MANE Select); coding-DNA position 609, A replaced by G.
Protein change: p.Glu203=; no amino-acid change (glutamic acid 203 retained).
Molecular consequence: synonymous variant.
Genome position (GRCh38, 1-based): chr1:52,976,704, A>G. VCF-style: chr1-52976704-A-G. GRCh37 (hg19) VCF-style: chr1-53442376-A-G.
Other names: c.477A>G, p.Glu159= (NM_001007098.3, NM_001193600.2); c.537A>G, p.Glu179= (NM_001193599.2); c.366A>G, p.Glu122= (NM_001193617.2); c.609A>G, p.Glu203= (NM_001330587.2).
Identifiers: ClinVar variation 284473 (VCV000284473.17), dbSNP rs41294530, ClinGen allele CA857180.

ClinVar aggregate classification (germline): Benign. Review status: criteria provided, multiple submitters, no conflicts (2 of 4 stars). 5 submissions from 5 submitters: Benign (4). 1 of the submissions does not count toward it. Last evaluated 2026-02-03.

Allele frequency attached by ClinVar (database versions not stated): gnomAD exomes 0.03406 and 0.05272; ExAC 0.05372; ESP Exome Variant Server 0.06283; gnomAD 0.06615 and 0.06707; TOPMed 0.07295; 1000 Genomes Project 0.09625; 1000 Genomes Project 30x 0.09760.
gnomAD v4.1: 58,374 of 1,556,374 alleles (3.8%); highest among the groups gnomAD compares: East Asian, 21%; 2,378 homozygotes.

Submissions (5):

Labcorp Genetics (formerly Invitae), Labcorp
Classification: Benign. Last evaluated: 2026-02-03. Review status: criteria provided, single submitter. Criteria: Invitae Variant Classification Sherloc (09022015). Collection method: clinical testing. Allele origin: germline.

GeneDx
Classification: Benign. Last evaluated: 2018-06-13. Review status: criteria provided, single submitter. Criteria: GeneDx Variant Classification (06012015). Collection method: clinical testing. Allele origin: germline. Affected: yes.
Comment: This variant is considered likely benign or benign based on one or more of the following criteria: it is a conservative change, it occurs at a poorly conserved position in the protein, it is predicted to be benign by multiple in silico algorithms, and/or has population frequency not consistent with disease.

Eurofins Ntd Llc (ga)
Classification: Benign. Last evaluated: 2015-10-29. Review status: criteria provided, single submitter. Criteria: EGL Classification Definitions 2015. Collection method: clinical testing. Allele origin: germline. Observed: 1 variant allele, 1 heterozygote.

Breakthrough Genomics
Classification: Benign. Review status: criteria provided, single submitter. Criteria: ACMG Guidelines, 2015. Collection method: not provided. Allele origin: germline. Inheritance: Autosomal recessive inheritance. Affected: yes.

Mayo Clinic Laboratories, Mayo Clinic
Classification: Benign. Last evaluated: 2015-12-15. Review status: no assertion criteria provided. Collection method: clinical testing. Allele origin: unknown. Not counted in ClinVar's aggregate classification.